The following is an entry in ClinVar:

ClinVar aggregate classification (germline): Uncertain significance (1 of 4 stars; one submission).

Conditions:
Postaxial polydactyly-anterior pituitary anomalies-facial dysmorphism syndrome. Also called: Culler-Jones syndrome. Identifiers: Orphanet 420584, MedGen C4014479, MONDO:0014369, OMIM 615849.
Holoprosencephaly 9 (HPE9). Also called: HOLOPROSENCEPHALY WITH MICROPHTHALMIA AND FIRST BRANCHIAL ARCH ANOMALIES; PITUITARY ANOMALIES WITH HOLOPROSENCEPHALY-LIKE FEATURES. Identifiers: Orphanet 2162, MedGen C1835819, MONDO:0012563, OMIM 610829.

Allele frequency attached by ClinVar (database versions not stated): gnomAD exomes below 0.00001.
gnomAD v4.1: 3 of 1,393,700 alleles (0.00022%); highest among the groups gnomAD compares: Non-Finnish European, 0.00019%; no homozygotes.

Submission:

Labcorp Genetics (formerly Invitae), Labcorp
Classification: Uncertain significance for Postaxial polydactyly-anterior pituitary anomalies-facial dysmorphism syndrome; Holoprosencephaly 9. Last evaluated: 2022-07-05. Review status: criteria provided, single submitter. Criteria: Invitae Variant Classification Sherloc (09022015). Collection method: clinical testing. Allele origin: germline.
Comment: This sequence change replaces glycine, which is neutral and non-polar, with serine, which is neutral and polar, at codon 963 of the GLI2 protein (p.Gly963Ser). This variant is not present in population databases (gnomAD no frequency). This variant has not been reported in the literature in individuals affected with GLI2-related conditions. ClinVar contains an entry for this variant (Variation ID: 1348206). Algorithms developed to predict the effect of missense changes on protein structure and function (SIFT, PolyPhen-2, Align-GVGD) all suggest that this variant is likely to be tolerated. In summary, the available evidence is currently insufficient to determine the role of this variant in disease. Therefore, it has been classified as a Variant of Uncertain Significance.

NM_001374353.1(GLI2):c.2836G>A (p.Gly946Ser)

Gene: GLI2 (GLI family zinc finger 2; plus strand). Cytogenetic location: 2q14.2.
Variant type: single nucleotide variant.
Coding change: c.2836G>A on transcript NM_001374353.1 (MANE Select); coding-DNA position 2836, G replaced by A.
Protein change: p.Gly946Ser; replaces glycine 946 with serine.
Molecular consequence: missense variant.
Genome position (GRCh38, 1-based): chr2:120,988,801, G>A. VCF-style: chr2-120988801-G-A. GRCh37 (hg19) VCF-style: chr2-121746377-G-A.
Other names: c.2887G>A, p.Gly963Ser (NM_001371271.1, NM_005270.5); c.2461G>A, p.Gly821Ser (NM_001374354.1); short protein forms G821S, G946S, G963S.
Identifiers: ClinVar variation 1348206 (VCV001348206.6), dbSNP rs2105088610, ClinGen allele CA348169946.